The following is an entry in ClinVar:

NM_000088.4(COL1A1):c.572G>A (p.Gly191Asp)

Gene: COL1A1 (collagen type I alpha 1 chain; minus strand). Cytogenetic location: 17q21.33.
Variant type: single nucleotide variant.
Coding change: c.572G>A on transcript NM_000088.4 (MANE Select); coding-DNA position 572, G replaced by A.
Protein change: p.Gly191Asp; replaces glycine 191 with aspartic acid.
Molecular consequence: missense variant.
Genome position (GRCh38, 1-based): chr17:50,198,177, C>T on the plus strand (G>A on the coding strand, the complement: COL1A1 is on the minus strand). VCF-style: chr17-50198177-C-T. GRCh37 (hg19) VCF-style: chr17-48275538-C-T.
Other names: G13D; c.572G>A (NM_000088.3); short protein forms G191D.
Identifiers: ClinVar variation 17348 (VCV000017348.3), dbSNP rs67828806, ClinGen allele CA127151.

ClinVar aggregate classification (germline): Pathogenic. Review status: criteria provided, multiple submitters, no conflicts (2 of 4 stars). 3 submissions from 3 submitters: Pathogenic (2). 1 of the submissions does not count toward it. Last evaluated 2026-02-10.

Conditions:
Combined osteogenesis imperfecta and Ehlers-Danlos syndrome 1. Also called: OIEDS SYNDROME 1. Identifiers: MedGen C5436842, MONDO:0030854, OMIM 619115.
Osteogenesis imperfecta type I (OI1). Also called: Lobstein's Disease; Classic Non-deforming Osteogenesis Imperfecta with Blue Sclerae; Osteogenesis imperfecta type 1; Lobstein disease; OI, TYPE I; OSTEOGENESIS IMPERFECTA TARDA. Identifiers: Orphanet 216796, Orphanet 666, MedGen C0023931, MONDO:0008146, OMIM 166200. Disease mechanism: loss of function.

Submissions (3):

GeneDx
Classification: Pathogenic. Last evaluated: 2026-02-10. Review status: criteria provided, single submitter. Criteria: GeneDx Variant Classification Process June 2021. Collection method: clinical testing. Allele origin: germline.
Comment: Identified in patients with clinical features of a COL1A1-related disorder referred for genetic testing at GeneDx and in published literature (PMID: 40066355, 15728585); Occurs in the triple helical domain and replaces a glycine in a canonical Gly-X-Y repeat; missense substitution of a canonical glycine residue is expected to disrupt normal protein folding and function, and this is an established mechanism of disease (PMID: 34007986); Not observed at significant frequency in large population cohorts (gnomAD); In silico analysis supports that this missense variant has a deleterious effect on protein structure/function; This variant is associated with the following publications: (PMID: 25525159, 41095672, 34007986, 29552444, 15728585, 36709916, 40066355)

Equipe Genetique des Anomalies du Developpement, Université de Bourgogne
Classification: Pathogenic for Osteogenesis imperfecta type I. Last evaluated: 2023-11-04. Review status: criteria provided, single submitter. Criteria: ACMG Guidelines, 2015. Collection method: clinical testing. Allele origin: de novo. Affected: yes.

OMIM
Classification: Pathogenic for COMBINED OSTEOGENESIS IMPERFECTA AND EHLERS-DANLOS SYNDROME 1. Last evaluated: 2006-03-10. Review status: no assertion criteria provided. Collection method: literature only. Allele origin: germline. Not counted in ClinVar's aggregate classification.

Literature cited by the submitters: PubMed 15728585 (cited by OMIM); PubMed 16407265 (cited by OMIM).